The following is an entry in ClinVar:

ClinVar aggregate classification (germline): Uncertain significance (1 of 4 stars; one submission).

Submission:

Labcorp Genetics (formerly Invitae), Labcorp
Classification: Uncertain significance. Last evaluated: 2024-03-26. Review status: criteria provided, single submitter. Criteria: Invitae Variant Classification Sherloc (09022015). Collection method: clinical testing. Allele origin: germline.
Comment: This variant, c.1030_1038dup, results in the insertion of 3 amino acid(s) of the IRF2BP2 protein (p.Ala344_Gly346dup), but otherwise preserves the integrity of the reading frame. This variant is present in population databases (rs758421424, gnomAD 0.006%). This variant has not been reported in the literature in individuals affected with IRF2BP2-related conditions. In summary, the available evidence is currently insufficient to determine the role of this variant in disease. Therefore, it has been classified as a Variant of Uncertain Significance.

NM_182972.3(IRF2BP2):c.1021GCCAACGGG[3] (p.Gly346_Ser347insAlaAsnGly)

Genes: IRF2BP2 (interferon regulatory factor 2 binding protein 2; minus strand), LOC129932810 (ATAC-STARR-seq lymphoblastoid active region 2760; plus strand). Cytogenetic location: 1q42.3.
Variant type: Microsatellite.
Coding change: c.1021GCCAACGGG[3] on transcript NM_182972.3 (MANE Select); three copies in a row of the 9-base unit GCCAACGGG starting at c.1021; the reference has two copies in a row; one copy, 9 bases duplicated.
Protein change: p.Gly346_Ser347insAlaAsnGly.
Molecular consequence: inframe insertion. On other transcripts: intron variant (1).
Genome position (GRCh38, 1-based): chr1:234,608,457-234,608,465, CCCGTTGGC duplicated on the plus strand (GCCAACGGG on the coding strand, the reverse complement: IRF2BP2 is on the minus strand); duplicating any 9 consecutive bases within chr1:234,608,457-234,608,475 gives the same sequence; the position shown is the placement nearest the transcript's 3' end. VCF-style (leftmost placement, unchanged base first): chr1-234608456-A-ACCCGTTGGC. GRCh37 (hg19) VCF-style: chr1-234744202-A-ACCCGTTGGC.
Other names: c.1000+21GCCAACGGG[3] (NM_001077397.1).
Identifiers: ClinVar variation 1975924 (VCV001975924.5), dbSNP rs551125252, ClinGen allele CA1461692.
Genomic context (GRCh38, chr1:234,608,456, plus strand): 5'-TCTCCGTCCCCTTTTCTCCCCTAGACCCCCTCACTTCACAGCCGCCCCTACCTGCTTTAG[A>ACCCGTTGGC]CCCGTTGGCCCCGTTGGCCTCGAAACCCAACAACCTGCCTGCAGTCAGGGCCGGCTCCTT-3'